The following is an entry in ClinVar:

ClinVar aggregate classification (germline): Uncertain significance (1 of 4 stars; one submission).

Submission:

GeneDx
Classification: Uncertain significance. Last evaluated: 2019-04-12. Review status: criteria provided, single submitter. Criteria: GeneDx Variant Classification Process June 2021. Collection method: clinical testing. Allele origin: germline. Affected: yes.
Comment: Not observed in large population cohorts (Lek et al., 2016); In silico analysis, which includes protein predictors and evolutionary conservation, supports a deleterious effect; Has not been previously published as pathogenic or benign to our knowledge

NM_017433.5(MYO3A):c.2440T>C (p.Ser814Pro)

Gene: MYO3A (myosin IIIA; plus strand). Cytogenetic location: 10p12.1.
Variant type: single nucleotide variant.
Coding change: c.2440T>C on transcript NM_017433.5 (MANE Select); coding-DNA position 2440, T replaced by C.
Protein change: p.Ser814Pro; replaces serine 814 with proline.
Molecular consequence: missense variant.
Genome position (GRCh38, 1-based): chr10:26,145,469, T>C. VCF-style: chr10-26145469-T-C. GRCh37 (hg19) VCF-style: chr10-26434398-T-C.
Other names: short protein forms S814P.
Identifiers: ClinVar variation 1304999 (VCV001304999.2), dbSNP rs2131857474, ClinGen allele CA376334834.